The following is an entry in ClinVar:

NM_000384.3(APOB):c.9589A>G (p.Ile3197Val)

Gene: APOB (apolipoprotein B; minus strand). Cytogenetic location: 2p24.1.
Variant type: single nucleotide variant.
Coding change: c.9589A>G on transcript NM_000384.3 (MANE Select); coding-DNA position 9589, A replaced by G.
Protein change: p.Ile3197Val; replaces isoleucine 3197 with valine.
Molecular consequence: missense variant.
Genome position (GRCh38, 1-based): chr2:21,007,279, T>C on the plus strand (A>G on the coding strand, the complement: APOB is on the minus strand). VCF-style: chr2-21007279-T-C. GRCh37 (hg19) VCF-style: chr2-21230151-T-C.
Other names: short protein forms I3197V.
Identifiers: ClinVar variation 3127928 (VCV003127928.2), dbSNP rs756815276, ClinGen allele CA066682.

ClinVar aggregate classification (germline): Conflicting classifications of pathogenicity. Review status: criteria provided, conflicting classifications (1 of 4 stars). 2 submissions from 2 submitters: Uncertain significance (1); Likely benign (1). Last evaluated 2026-03-27.

Conditions:
Cardiovascular phenotype. Identifiers: MedGen CN230736.

Allele frequency attached by ClinVar (database versions not stated): TOPMed below 0.00001; ExAC 0.00001; gnomAD exomes 0.00001.
gnomAD v4.1: 6 of 1,613,698 alleles (0.00037%); highest among the groups gnomAD compares: Non-Finnish European, 0.00051%; no homozygotes.

Submissions (2):

Molecular Diagnostic Laboratory for Inherited Cardiovascular Disease, Montreal Heart Institute
Classification: Likely benign. Last evaluated: 2026-03-27. Review status: criteria provided, single submitter. Criteria: ACMG Guidelines, 2015. Collection method: clinical testing. Allele origin: germline. Affected: no.
Comment: PM2, BP4, BP5

Ambry Genetics
Classification: Uncertain significance for Cardiovascular phenotype. Last evaluated: 2023-10-24. Review status: criteria provided, single submitter. Criteria: Ambry Variant Classification Scheme 2023. Collection method: clinical testing. Allele origin: germline.
Comment: The c.9589A>G (p.I3197V) alteration is located in coding exon 26 of the APOB gene. This alteration results from a A to G substitution at nucleotide position 9589, causing the isoleucine (I) at amino acid position 3197 to be replaced by a valine (V). Based on data from gnomAD, the G allele has an overall frequency of 0.001% (2/250760) total alleles studied. The highest observed frequency was 0.002% (2/113356) of European (non-Finnish) alleles. This amino acid position is not well conserved in available vertebrate species. This alteration is predicted to be tolerated by in silico analysis. Based on insufficient or conflicting evidence, the clinical significance of this alteration remains unclear.